The following is an entry in ClinVar:

NM_006030.4(CACNA2D2):c.2873C>T (p.Ala958Val)

Genes: CACNA2D2 (calcium voltage-gated channel auxiliary subunit alpha2delta 2; minus strand), LOC101928965 (uncharacterized LOC101928965; plus strand), LOC127898564 (CYB561D2-LOC101928965; plus strand). Cytogenetic location: 3p21.31.
Variant type: single nucleotide variant.
Coding change: c.2873C>T on transcript NM_006030.4 (MANE Select); coding-DNA position 2873, C replaced by T.
Protein change: p.Ala958Val; replaces alanine 958 with valine.
Molecular consequence: missense variant. On other transcripts: non-coding transcript variant (1).
Genome position (GRCh38, 1-based): chr3:50,365,852, G>A on the plus strand (C>T on the coding strand, the complement: CACNA2D2 is on the minus strand). VCF-style: chr3-50365852-G-A. GRCh37 (hg19) VCF-style: chr3-50403283-G-A.
Other names: c.2873C>T, p.Ala958Val (NM_001005505.3); c.2894C>T, p.Ala965Val (NM_001174051.3); c.2666C>T, p.Ala889Val (NM_001291101.1); short protein forms A889V, A965V, A958V.
Identifiers: ClinVar variation 1403041 (VCV001403041.9), dbSNP rs1704238428, ClinGen allele CA352903696.
Genomic context (GRCh38, chr3:50,365,852, plus strand): 5'-CTCCCGCTCAGGACTCACCAGGCGGCAGCAGAGGTCCACCAGGCCAGGTTAAGGAAATCT[G>A]CAACGGTGGGCTGCAGTGGAGAGAGGGGCGTGGACTGCCACTGCTGCCCCTCGCCCTAGG-3'
Protein context (NP_006021.2, residues 948-968): APRGVFVPTV[Ala958Val]DFLNLAWWTS

ClinVar aggregate classification (germline): Uncertain significance (1 of 4 stars; one submission).

Conditions:
Early-infantile DEE. Also called: Early infantile epileptic encephalopathy; Ohtahara syndrome; Early infantile epileptic encephalopathy with suppression bursts. Identifiers: Orphanet 1934, MedGen C0393706, MONDO:0800491.

Allele frequency attached by ClinVar (database versions not stated): gnomAD exomes below 0.00001; gnomAD 0.00001; TOPMed 0.00001.
gnomAD v4.1: 5 of 1,613,134 alleles (0.00031%); highest among the groups gnomAD compares: African/African-American, 0.0067%; no homozygotes.

Submission:

Labcorp Genetics (formerly Invitae), Labcorp
Classification: Uncertain significance for Early-infantile DEE. Last evaluated: 2024-01-15. Review status: criteria provided, single submitter. Criteria: Invitae Variant Classification Sherloc (09022015). Collection method: clinical testing. Allele origin: germline.
Comment: This sequence change replaces alanine, which is neutral and non-polar, with valine, which is neutral and non-polar, at codon 958 of the CACNA2D2 protein (p.Ala958Val). This variant is not present in population databases (gnomAD no frequency). This variant has not been reported in the literature in individuals affected with CACNA2D2-related conditions. ClinVar contains an entry for this variant (Variation ID: 1403041). An algorithm developed to predict the effect of missense changes on protein structure and function (PolyPhen-2) suggests that this variant is likely to be disruptive. In summary, the available evidence is currently insufficient to determine the role of this variant in disease. Therefore, it has been classified as a Variant of Uncertain Significance.